The following is an entry in ClinVar:

NM_000501.4(ELN):c.1850G>A (p.Gly617Asp)

Gene: ELN (elastin; plus strand). Cytogenetic location: 7q11.23.
Variant type: single nucleotide variant.
Coding change: c.1850G>A on transcript NM_000501.4 (MANE Select); coding-DNA position 1850, G replaced by A.
Protein change: p.Gly617Asp; replaces glycine 617 with aspartic acid.
Molecular consequence: missense variant.
Genome position (GRCh38, 1-based): chr7:74,063,216, G>A. VCF-style: chr7-74063216-G-A. GRCh37 (hg19) VCF-style: chr7-73477546-G-A.
Other names: c.1763G>A, p.Gly588Asp (NM_001081752.3); c.1808G>A, p.Gly603Asp (NM_001081753.3); c.1865G>A, p.Gly622Asp (NM_001081754.3); c.1793G>A, p.Gly598Asp (NM_001081755.3); c.1850G>A, p.Gly617Asp (NM_001278912.2); c.1607G>A, p.Gly536Asp (NM_001278913.2); c.1778G>A, p.Gly593Asp (NM_001278914.2); c.1868G>A, p.Gly623Asp (NM_001278915.2); and 4 more; short protein forms G536D, G593D, G617D, G623D, G679D, G528D, G607D, G622D.
Identifiers: ClinVar variation 3715852 (VCV003715852.2).

ClinVar aggregate classification (germline): Uncertain significance (1 of 4 stars; one submission).

Conditions:
Supravalvar aortic stenosis (SVAS). Also called: Supravalvar aortic stenosis, Eisenberg type. Identifiers: Orphanet 3193, MedGen C0003499, MONDO:0008504, OMIM 185500, HP:0004381.

Submission:

Labcorp Genetics (formerly Invitae), Labcorp
Classification: Uncertain significance for Supravalvar aortic stenosis. Last evaluated: 2024-10-28. Review status: criteria provided, single submitter. Criteria: Invitae Variant Classification Sherloc (09022015). Collection method: clinical testing. Allele origin: germline.
Comment: This sequence change replaces glycine, which is neutral and non-polar, with aspartic acid, which is acidic and polar, at codon 679 of the ELN protein (p.Gly679Asp). This variant is not present in population databases (gnomAD no frequency). This variant has not been reported in the literature in individuals affected with ELN-related conditions. Invitae Evidence Modeling of protein sequence and biophysical properties (such as structural, functional, and spatial information, amino acid conservation, physicochemical variation, residue mobility, and thermodynamic stability) indicates that this missense variant is not expected to disrupt ELN protein function with a negative predictive value of 80%. In summary, the available evidence is currently insufficient to determine the role of this variant in disease. Therefore, it has been classified as a Variant of Uncertain Significance.